The following is an entry in ClinVar:

NM_006767.4(LZTR1):c.200+1G>C

Gene: LZTR1 (leucine zipper like post translational regulator 1; plus strand). Cytogenetic location: 22q11.21.
Variant type: single nucleotide variant.
Coding change: c.200+1G>C on transcript NM_006767.4 (MANE Select); the canonical splice donor site of the intron after coding-DNA position 200, G replaced by C.
Molecular consequence: splice donor variant.
Genome position (GRCh38, 1-based): chr22:20,982,572, G>C. VCF-style: chr22-20982572-G-C. GRCh37 (hg19) VCF-style: chr22-21336861-G-C.
Other names: c.200+1G>C (NM_006767.3).
Identifiers: ClinVar variation 1982526 (VCV001982526.8), dbSNP rs1216738448, ClinGen allele CA410778203.

ClinVar aggregate classification (germline): Likely pathogenic. Review status: criteria provided, multiple submitters, no conflicts (2 of 4 stars). 4 submissions from 4 submitters: Likely pathogenic (4). Last evaluated 2026-06-25.

Conditions:
LZTR1-related schwannomatosis. Also called: Schwannomatosis-2, susceptibility to; Schwannomatosis 2. Identifiers: Orphanet 93921, MedGen C3810283, MONDO:0014299, OMIM 615670.
Hereditary cancer-predisposing syndrome. Also called: Hereditary neoplastic syndrome; Neoplastic Syndromes, Hereditary; Tumor predisposition; Hereditary Cancer Syndrome. Identifiers: Orphanet 140162, MedGen C0027672, MeSH D009386, MONDO:0015356.
Cardiovascular phenotype. Identifiers: MedGen CN230736.
Noonan syndrome 10 (NS10). Identifiers: Orphanet 648, MedGen C4225280, MONDO:0014693, OMIM 616564.

Allele frequency attached by ClinVar (database versions not stated): TOPMed below 0.00001.
gnomAD v4.1: 3 of 1,611,174 alleles (0.00019%); highest among the groups gnomAD compares: East Asian, 0.0022%; no homozygotes.

Submissions (4):

Ambry Genetics
Classification: Likely pathogenic for Cardiovascular phenotype; Hereditary cancer-predisposing syndrome. Last evaluated: 2026-06-25. Review status: criteria provided, single submitter. Criteria: Ambry Variant Classification Scheme 2023. Collection method: clinical testing. Allele origin: germline.
Comment: The c.200+1G>C intronic variant results from a G to C substitution one nucleotide after coding exon 1 of the LZTR1 gene. This variant is considered to be rare based on population cohorts in the Genome Aggregation Database (gnomAD). This nucleotide position is highly conserved in available vertebrate species. In silico splice site analysis predicts that this alteration will weaken the native splice donor site and will result in the creation or strengthening of a novel splice donor site. RNA studies have demonstrated that this variant results in abnormal splicing in the set of samples tested (Ambry internal data). Loss-of-function variants in LZTR1 are related to an increased risk for schwannomas and autosomal recessive Noonan syndrome; however, such associations with autosomal dominant Noonan syndrome have not been observed (Piotrowski A et al. Nat Genet. 2014 Feb;46:182-7; Yamamoto GL et al. J Med Genet. 2015 Jun;52:413-21; Johnston JJ et al. Genet Med. 2018 10;20:1175-1185). Based on the supporting evidence, this variant is likely pathogenic for an increased risk of LZTR1-related schwannomatosis (SWN) and would be expected to cause autosomal recessive Noonan syndrome when present along with a second pathogenic or likely pathogenic variant on the other allele; however, the association of this alteration with autosomal dominant Noonan syndrome is unlikely.

Neuberg Centre For Genomic Medicine, NCGM
Classification: Likely pathogenic for Noonan syndrome 10. Last evaluated: 2023-06-22. Review status: criteria provided, single submitter. Criteria: ACMG Guidelines, 2015. Collection method: clinical testing. Allele origin: germline. Inheritance: Autosomal dominant inheritance. Affected: yes.
Comment: The observed splice donor c.200+1G>C variant in LZTR1 gene has not been reported previously as a pathogenic variant nor as a benign variant, to our knowledge. This variant is absent in gnomAD Exomes. This variant has been reported to the ClinVar database as Likely Pathogenic. The variant affects the GT donor splice site downstream of exon 1. This variant is predicted to cause loss of normal protein function through protein truncation. It is expected to disrupt RNA splicing. Variants that disrupt the donor or acceptor splice site typically lead to a loss of protein function, and loss-of-function variants in LZTR1 are known to be pathogenic (Pagnamenta et al., 2019). The spliceAI tool predicts that this splice site variant is damaging. For these reasons, this variant has been classified as Likely Pathogenic.

Baylor Genetics
Classification: Likely pathogenic for LZTR1-related schwannomatosis. Last evaluated: 2023-02-27. Review status: criteria provided, single submitter. Criteria: ACMG Guidelines, 2015. Collection method: clinical testing. Allele origin: unknown.

Labcorp Genetics (formerly Invitae), Labcorp
Classification: Likely pathogenic. Last evaluated: 2022-07-17. Review status: criteria provided, single submitter. Criteria: Invitae Variant Classification Sherloc (09022015). Collection method: clinical testing. Allele origin: germline.
Comment: This sequence change affects a donor splice site in intron 1 of the LZTR1 gene. It is expected to disrupt RNA splicing. Variants that disrupt the donor or acceptor splice site typically lead to a loss of protein function (PMID: 16199547), and loss-of-function variants in LZTR1 are known to be pathogenic (PMID: 24362817, 25335493, 25480913, 25795793, 29469822, 30442762, 30442766, 30481304, 30859559). This variant is not present in population databases (gnomAD no frequency). This variant has not been reported in the literature in individuals affected with LZTR1-related conditions. Algorithms developed to predict the effect of sequence changes on RNA splicing suggest that this variant may disrupt the consensus splice site. In summary, the currently available evidence indicates that the variant is pathogenic, but additional data are needed to prove that conclusively. Therefore, this variant has been classified as Likely Pathogenic.

Literature cited by the submitters: PubMed 16199547 (cited by Labcorp Genetics (formerly Invitae), Labcorp); PubMed 24362817 (cited by Labcorp Genetics (formerly Invitae), Labcorp); PubMed 25335493 (cited by Labcorp Genetics (formerly Invitae), Labcorp); PubMed 25480913 (cited by Labcorp Genetics (formerly Invitae), Labcorp); PubMed 25795793 (cited by Labcorp Genetics (formerly Invitae), Labcorp); PubMed 29469822 (cited by Labcorp Genetics (formerly Invitae), Labcorp); PubMed 30442762 (cited by Labcorp Genetics (formerly Invitae), Labcorp); PubMed 30442766 (cited by Labcorp Genetics (formerly Invitae), Labcorp); PubMed 30481304 (cited by Labcorp Genetics (formerly Invitae), Labcorp); PubMed 30859559 (cited by Labcorp Genetics (formerly Invitae), Labcorp).